The following is an entry in ClinVar:

ClinVar aggregate classification (germline): Uncertain significance. Review status: criteria provided, multiple submitters, no conflicts (2 of 4 stars). 3 submissions from 3 submitters: Uncertain significance (3). Last evaluated 2024-07-17.

Conditions:
Episodic ataxia type 2 (EA2). Also called: ATAXIA, EPISODIC, WITH NYSTAGMUS; ATAXIA, FAMILIAL PAROXYSMAL; CEREBELLAR ATAXIA, PAROXYSMAL, ACETAZOLAMIDE-RESPONSIVE; CEREBELLOPATHY, HEREDITARY PAROXYSMAL; ACETAZOLAMIDE-RESPONSIVE HEREDITARY PAROXYSMAL CEREBELLAR ATAXIA; EPISODIC ATAXIA, NYSTAGMUS-ASSOCIATED. Identifiers: Orphanet 97, MedGen C1720416, MONDO:0007163, OMIM 108500.
Developmental and epileptic encephalopathy, 42 (DEE42A). Also called: Epileptic encephalopathy, early infantile, 42; DEVELOPMENTAL AND EPILEPTIC ENCEPHALOPATHY 42A; EPILEPTIC ENCEPHALOPATHY, EARLY INFANTILE, 42A. Identifiers: MedGen C4310716, MONDO:0014917, OMIM 617106.

Allele frequency attached by ClinVar (database versions not stated): gnomAD 0.00001; gnomAD exomes 0.00001 and 0.00003; ExAC 0.00003.
gnomAD v4.1: 18 of 1,514,638 alleles (0.0012%); highest among the groups gnomAD compares: Non-Finnish European, 0.00044%; no homozygotes.

Submissions (3):

Athena Diagnostics
Classification: Uncertain significance. Last evaluated: 2024-07-17. Review status: criteria provided, single submitter. Criteria: Athena Diagnostics Criteria. Collection method: clinical testing. Allele origin: unknown.
Comment: Available data are insufficient to determine the clinical significance of the variant at this time. The frequency of this variant in the general population is uninformative in assessment of its pathogenicity. This variant has been seen where an alternate explanation for disease was also identified, suggesting this variant may not cause disease. MutationTaster could not make a prediction for this variant. Polyphen predicts this amino acid change may be benign.

Labcorp Genetics (formerly Invitae), Labcorp
Classification: Uncertain significance for Developmental and epileptic encephalopathy, 42; Episodic ataxia type 2. Last evaluated: 2023-02-27. Review status: criteria provided, single submitter. Criteria: Invitae Variant Classification Sherloc (09022015). Collection method: clinical testing. Allele origin: germline.
Comment: This sequence change replaces leucine, which is neutral and non-polar, with arginine, which is basic and polar, at codon 2007 of the CACNA1A protein (p.Leu2007Arg). This variant is present in population databases (rs759624463, gnomAD 0.06%). Advanced modeling of protein sequence and biophysical properties (such as structural, functional, and spatial information, amino acid conservation, physicochemical variation, residue mobility, and thermodynamic stability) has been performed at Invitae for this missense variant, however the output from this modeling did not meet the statistical confidence thresholds required to predict the impact of this variant on CACNA1A protein function. In summary, the available evidence is currently insufficient to determine the role of this variant in disease. Therefore, it has been classified as a Variant of Uncertain Significance. This variant has not been reported in the literature in individuals affected with CACNA1A-related conditions. ClinVar contains an entry for this variant (Variation ID: 450950).

GeneDx
Classification: Uncertain significance. Last evaluated: 2017-07-28. Review status: criteria provided, single submitter. Criteria: GeneDx Variant Classification (06012015). Collection method: clinical testing. Allele origin: germline. Affected: yes.
Comment: A variant of uncertain significance has been identified in the CACNA1A gene. The L2007R variant has not been published as a pathogenic variant, nor has it been reported as a benign variant to our knowledge. The L2007R variant is not observed at a significant frequency in large population cohorts (Lek et al., 2016; 1000 Genomes Consortium et al., 2015; Exome Variant Server). The L2007R variant is a non-conservative amino acid substitution, which is likely to impact secondary protein structure as these residues differ in polarity, charge, size and/or other properties. This substitution occurs at a position that is conserved across species. However, in silico analysis is inconsistent in its predictions as to whether or not the variant is damaging to the protein structure/function. Therefore, based on the currently available information, it is unclear whether this variant is a pathogenic variant or a rare benign variant.

NM_001127222.2(CACNA1A):c.6017T>G (p.Leu2006Arg)

Gene: CACNA1A (calcium voltage-gated channel subunit alpha1 A; minus strand). Cytogenetic location: 19p13.13.
Variant type: single nucleotide variant.
Coding change: c.6017T>G on transcript NM_001127222.2 (MANE Select); coding-DNA position 6017, T replaced by G.
Protein change: p.Leu2006Arg; replaces leucine 2006 with arginine.
Molecular consequence: missense variant.
Genome position (GRCh38, 1-based): chr19:13,212,664, A>C on the plus strand (T>G on the coding strand, the complement: CACNA1A is on the minus strand). VCF-style: chr19-13212664-A-C. GRCh37 (hg19) VCF-style: chr19-13323478-A-C.
Other names: c.6020T>G (NM_000068.2); c.6035T>G, p.Leu2012Arg (NM_000068.4, NM_023035.3); c.6020T>G, p.Leu2007Arg (NM_001127221.2); c.6026T>G, p.Leu2009Arg (NM_001174080.2); short protein forms L2007R, L2006R, L2009R, L2012R.
Identifiers: ClinVar variation 450950 (VCV000450950.6), dbSNP rs759624463, ClinGen allele CA9239502.